The following is an entry in ClinVar:

NM_013247.5(HTRA2):c.896C>T (p.Ala299Val)

Gene: HTRA2 (HtrA serine peptidase 2; plus strand). Cytogenetic location: 2p13.1.
Variant type: single nucleotide variant.
Coding change: c.896C>T on transcript NM_013247.5 (MANE Select); coding-DNA position 896, C replaced by T.
Protein change: p.Ala299Val; replaces alanine 299 with valine.
Molecular consequence: missense variant. On other transcripts: non-coding transcript variant (4), intron variant (1).
Genome position (GRCh38, 1-based): chr2:74,531,095, C>T. VCF-style: chr2-74531095-C-T. GRCh37 (hg19) VCF-style: chr2-74758222-C-T.
Other names: c.896C>T, p.Ala299Val (NM_001321727.1, NM_001321728.1); c.712-244C>T (NM_145074.2); short protein forms A299V.
Identifiers: ClinVar variation 1355380 (VCV001355380.8), dbSNP rs1399171318, ClinGen allele CA347380524.

ClinVar aggregate classification (germline): Uncertain significance (1 of 4 stars; one submission).

Allele frequency attached by ClinVar (database versions not stated): TOPMed below 0.00001.

Submission:

Labcorp Genetics (formerly Invitae), Labcorp
Classification: Uncertain significance. Last evaluated: 2020-12-10. Review status: criteria provided, single submitter. Criteria: Invitae Variant Classification Sherloc (09022015). Collection method: clinical testing. Allele origin: germline.
Comment: In summary, the available evidence is currently insufficient to determine the role of this variant in disease. Therefore, it has been classified as a Variant of Uncertain Significance. Algorithms developed to predict the effect of sequence changes on RNA splicing suggest that this variant may create or strengthen a splice site, but this prediction has not been confirmed by published transcriptional studies. Algorithms developed to predict the effect of missense changes on protein structure and function are either unavailable or do not agree on the potential impact of this missense change (SIFT: "Tolerated"; PolyPhen-2: "Probably Damaging"; Align-GVGD: "Class C0"). This variant has not been reported in the literature in individuals with HTRA2-related conditions. This variant is not present in population databases (ExAC no frequency). This sequence change replaces alanine with valine at codon 299 of the HTRA2 protein (p.Ala299Val). The alanine residue is highly conserved and there is a small physicochemical difference between alanine and valine.